The following is an entry in ClinVar:

NM_004991.4(MECOM):c.864G>C (p.Glu288Asp)

Gene: MECOM (MDS1 and EVI1 complex locus; minus strand). Cytogenetic location: 3q26.2.
Variant type: single nucleotide variant.
Coding change: c.864G>C on transcript NM_004991.4 (MANE Select); coding-DNA position 864, G replaced by C.
Protein change: p.Glu288Asp; replaces glutamic acid 288 with aspartic acid.
Molecular consequence: missense variant.
Genome position (GRCh38, 1-based): chr3:169,122,694, C>G on the plus strand (G>C on the coding strand, the complement: MECOM is on the minus strand). VCF-style: chr3-169122694-C-G. GRCh37 (hg19) VCF-style: chr3-168840482-C-G.
Other names: c.492G>C, p.Glu164Asp (NM_001105077.4); c.300G>C, p.Glu100Asp (NM_001105078.4, NM_001163999.2, NM_001164000.2 and 9 more transcripts); c.864G>C, p.Glu288Asp (NM_001366466.2, NM_001366473.2); short protein forms E288D, E100D, E164D.
Identifiers: ClinVar variation 4053276 (VCV004053276.1).

ClinVar aggregate classification (germline): Uncertain significance (1 of 4 stars; one submission).

Conditions:
Inborn genetic diseases. Identifiers: MedGen C0950123, MeSH D030342.

gnomAD v4.1: 1 of 1,614,016 alleles (0.000062%); highest among the groups gnomAD compares: Non-Finnish European, 0.000085%; no homozygotes.

Submission:

Ambry Genetics
Classification: Uncertain significance for Inborn genetic diseases. Last evaluated: 2025-05-21. Review status: criteria provided, single submitter. Criteria: Ambry Variant Classification Scheme 2023. Collection method: clinical testing. Allele origin: germline.
Comment: The p.E288D variant (also known as c.864G>C), located in coding exon 6 of the MECOM gene, results from a G to C substitution at nucleotide position 864. The glutamic acid at codon 288 is replaced by aspartic acid, an amino acid with highly similar properties. This amino acid position is conserved. In addition, this alteration is predicted to be tolerated by in silico analysis. Based on the available evidence, the clinical significance of this variant remains unclear.